The following is an entry in ClinVar:

ClinVar aggregate classification (germline): Uncertain significance (1 of 4 stars; one submission).

Submission:

Ambry Genetics
Classification: Uncertain significance. Last evaluated: 2025-12-22. Review status: criteria provided, single submitter. Criteria: Ambry Variant Classification Scheme 2023. Collection method: clinical testing. Allele origin: germline.
Comment: The c.308T>C (p.M103T) alteration is located in exon 4 (coding exon 4) of the PRSS27 gene. This alteration results from a T to C substitution at nucleotide position 308, causing the methionine (M) at amino acid position 103 to be replaced by a threonine (T). Based on data from gnomAD, the C allele has an overall frequency of <0.001% (1/246544) total alleles studied. The highest observed frequency was 0.003% (1/30514) of South Asian alleles. Based on insufficient or conflicting evidence, the clinical significance of this alteration remains unclear.

NM_031948.5(PRSS27):c.308T>C (p.Met103Thr)

Gene: PRSS27 (serine protease 27; minus strand). Cytogenetic location: 16p13.3.
Variant type: single nucleotide variant.
Coding change: c.308T>C on transcript NM_031948.5 (MANE Select); coding-DNA position 308, T replaced by C.
Protein change: p.Met103Thr; replaces methionine 103 with threonine.
Molecular consequence: missense variant. On other transcripts: initiator codon variant (1).
Genome position (GRCh38, 1-based): chr16:2,714,265, A>G on the plus strand (T>C on the coding strand, the complement: PRSS27 is on the minus strand). VCF-style: chr16-2714265-A-G. GRCh37 (hg19) VCF-style: chr16-2764266-A-G.
Other names: c.2T>C, p.Met1Thr (NM_001318395.2); short protein forms M103T, M1T.
Identifiers: ClinVar variation 4832728 (VCV004832728.1).